The following is an entry in ClinVar:

ClinVar aggregate classification (germline): Uncertain significance (1 of 4 stars; one submission).

Conditions:
Hereditary cancer-predisposing syndrome. Also called: Neoplastic Syndromes, Hereditary; Tumor predisposition; Hereditary neoplastic syndrome; Hereditary Cancer Syndrome. Identifiers: Orphanet 140162, MedGen C0027672, MeSH D009386, MONDO:0015356.

Submission:

Ambry Genetics
Classification: Uncertain significance for Hereditary cancer-predisposing syndrome. Last evaluated: 2023-02-12. Review status: criteria provided, single submitter. Criteria: Ambry Variant Classification Scheme 2023. Collection method: clinical testing. Allele origin: germline.
Comment: The p.N452S variant (also known as c.1355A>G), located in coding exon 4 of the PALB2 gene, results from an A to G substitution at nucleotide position 1355. The asparagine at codon 452 is replaced by serine, an amino acid with highly similar properties. This amino acid position is conserved. In addition, this alteration is predicted to be tolerated by in silico analysis. Since supporting evidence is limited at this time, the clinical significance of this alteration remains unclear.

NM_024675.4(PALB2):c.1355A>G (p.Asn452Ser)

Gene: PALB2 (partner and localizer of BRCA2; minus strand). Cytogenetic location: 16p12.2.
Variant type: single nucleotide variant.
Coding change: c.1355A>G on transcript NM_024675.4 (MANE Select); coding-DNA position 1355, A replaced by G.
Protein change: p.Asn452Ser; replaces asparagine 452 with serine.
Molecular consequence: missense variant. On other transcripts: intron variant (3).
Genome position (GRCh38, 1-based): chr16:23,635,191, T>C on the plus strand (A>G on the coding strand, the complement: PALB2 is on the minus strand). VCF-style: chr16-23635191-T-C. GRCh37 (hg19) VCF-style: chr16-23646512-T-C.
Other names: c.1295A>G, p.Asn432Ser (NM_001407296.1); c.1355A>G, p.Asn452Ser (NM_001407297.1, NM_001407298.1, NM_001407299.1 and 3 more transcripts); c.470A>G, p.Asn157Ser (NM_001407304.1, NM_001407305.1, NM_001407306.1 and 5 more transcripts); c.49-5916A>G (NM_001407314.1); c.-104-4722A>G (NM_001407313.1, NM_001407312.1); short protein forms N432S, N452S, N157S.
Identifiers: ClinVar variation 2453307 (VCV002453307.2), dbSNP rs2142418462, ClinGen allele CA395131508.